The following is an entry in ClinVar:

NM_004055.5(CAPN5):c.1223G>T (p.Arg408Leu)

Gene: CAPN5 (calpain 5; plus strand). Cytogenetic location: 11q13.5.
Variant type: single nucleotide variant.
Coding change: c.1223G>T on transcript NM_004055.5 (MANE Select); coding-DNA position 1223, G replaced by T.
Protein change: p.Arg408Leu; replaces arginine 408 with leucine.
Molecular consequence: missense variant.
Genome position (GRCh38, 1-based): chr11:77,119,085, G>T. VCF-style: chr11-77119085-G-T. GRCh37 (hg19) VCF-style: chr11-76830131-G-T.
Other names: short protein forms R408L.
Identifiers: ClinVar variation 1939593 (VCV001939593.5), dbSNP rs137893074, ClinGen allele CA381942297.

ClinVar aggregate classification (germline): Uncertain significance (1 of 4 stars; one submission).

gnomAD v4.1: 1 of 1,614,064 alleles (0.000062%); highest among the groups gnomAD compares: African/African-American, 0.0013%; no homozygotes.

Submission:

Labcorp Genetics (formerly Invitae), Labcorp
Classification: Uncertain significance. Last evaluated: 2025-03-03. Review status: criteria provided, single submitter. Criteria: Invitae Variant Classification Sherloc (09022015). Collection method: clinical testing. Allele origin: germline.
Comment: This sequence change replaces arginine, which is basic and polar, with leucine, which is neutral and non-polar, at codon 408 of the CAPN5 protein (p.Arg408Leu). This variant is not present in population databases (gnomAD no frequency). This variant has not been reported in the literature in individuals affected with CAPN5-related conditions. ClinVar contains an entry for this variant (Variation ID: 1939593). Invitae Evidence Modeling of protein sequence and biophysical properties (such as structural, functional, and spatial information, amino acid conservation, physicochemical variation, residue mobility, and thermodynamic stability) indicates that this missense variant is not expected to disrupt CAPN5 protein function with a negative predictive value of 80%. In summary, the available evidence is currently insufficient to determine the role of this variant in disease. Therefore, it has been classified as a Variant of Uncertain Significance.